The following is an entry in ClinVar:

NM_001353921.2(ARHGEF9):c.949G>A (p.Glu317Lys)

Gene: ARHGEF9 (Cdc42 guanine nucleotide exchange factor 9; minus strand). Cytogenetic location: Xq11.1.
Variant type: single nucleotide variant.
Coding change: c.949G>A on transcript NM_001353921.2 (MANE Select); coding-DNA position 949, G replaced by A.
Protein change: p.Glu317Lys; replaces glutamic acid 317 with lysine.
Molecular consequence: missense variant. On other transcripts: intron variant (5).
Genome position (GRCh38, 1-based): chrX:63,666,014, C>T on the plus strand (G>A on the coding strand, the complement: ARHGEF9 is on the minus strand). VCF-style: chrX-63666014-C-T. GRCh37 (hg19) VCF-style: chrX-62885894-C-T.
Other names: c.865G>A, p.Glu289Lys (NM_001369038.1, NM_001330495.2, NM_001369043.1 and 6 more transcripts); c.748G>A, p.Glu250Lys (NM_001369039.1, NM_001369040.1, NM_001353924.2 and 1 more transcripts); c.769G>A, p.Glu257Lys (NM_001173479.2); c.622G>A, p.Glu208Lys (NM_001173480.2, NM_001369042.1); c.967G>A, p.Glu323Lys (NM_001353923.1); c.928G>A, p.Glu310Lys (NM_015185.3, NM_001369030.1, NM_001369031.1 and 1 more transcripts); c.945+8024G>A (NM_001353922.2); c.861+8024G>A (NM_001369041.1, NM_001353927.2); and 2 more; short protein forms E310K, E250K, E257K, E289K, E208K, E317K, E323K.
Identifiers: ClinVar variation 384539 (VCV000384539.8), dbSNP rs782166488, ClinGen allele CA10431879.

ClinVar aggregate classification (germline): Conflicting classifications of pathogenicity. Review status: criteria provided, conflicting classifications (1 of 4 stars). 3 submissions from 3 submitters: Uncertain significance (1); Likely benign (2). Last evaluated 2025-10-21.

Conditions:
Inborn genetic diseases. Identifiers: MedGen C0950123, MeSH D030342.
Developmental and epileptic encephalopathy, 8 (DEE8). Also called: HYPEREKPLEXIA AND EPILEPSY. Identifiers: Orphanet 163985, Orphanet 2076, MedGen C1845102, MONDO:0010375, OMIM 300607.

Allele frequency attached by ClinVar (database versions not stated): TOPMed 0.00001; gnomAD exomes 0.00002 and 0.00004; ExAC 0.00003; gnomAD 0.00003.
gnomAD v4.1: 43 of 1,206,367 alleles (0.0036%); highest among the groups gnomAD compares: East Asian, 0.012%; no homozygotes.

Submissions (3):

Labcorp Genetics (formerly Invitae), Labcorp
Classification: Likely benign for Developmental and epileptic encephalopathy, 8. Last evaluated: 2025-10-21. Review status: criteria provided, single submitter. Criteria: Invitae Variant Classification Sherloc (09022015). Collection method: clinical testing. Allele origin: germline.

Ambry Genetics
Classification: Likely benign for Inborn genetic diseases. Last evaluated: 2024-01-08. Review status: criteria provided, single submitter. Criteria: Ambry Variant Classification Scheme 2023. Collection method: clinical testing. Allele origin: germline.

GeneDx
Classification: Uncertain significance. Last evaluated: 2017-07-13. Review status: criteria provided, single submitter. Criteria: GeneDx Variant Classification (06012015). Collection method: clinical testing. Allele origin: germline. Affected: yes.
Comment: The E310K variant in the ARHGEF9 gene has not been reported previously as a pathogenic variant, nor as a benign variant, to our knowledge. This variant was not observed in approximately 6500 individuals of European and African American ancestry in the NHLBI Exome Sequencing Project, indicating it is not a common benign variant in these populations. The E310K variant is a non-conservative amino acid substitution, which is likely to impact secondary protein structure as these residues differ in polarity, charge, size and/or other properties. This substitution occurs at a position where amino acids with similar properties to Glutamic Acid are tolerated across species. In silico analysis is inconsistent in its predictions as to whether or not the variant is damaging to the protein structure/function. We interpret E310K as a variant of uncertain significance.